The following is an entry in ClinVar:

ClinVar aggregate classification (germline): Uncertain significance (1 of 4 stars; one submission).

Submission:

GeneDx
Classification: Uncertain significance. Last evaluated: 2026-01-26. Review status: criteria provided, single submitter. Criteria: GeneDx Variant Classification Process June 2021. Collection method: clinical testing. Allele origin: germline.
Comment: Not observed at significant frequency in large population cohorts (gnomAD); In silico analysis suggests that this missense variant does not alter protein structure/function; Has not been previously published as pathogenic or benign to our knowledge

NM_001162501.2(TNRC6B):c.3860A>T (p.Gln1287Leu)

Gene: TNRC6B (trinucleotide repeat containing adaptor 6B; plus strand). Cytogenetic location: 22q13.1.
Variant type: single nucleotide variant.
Coding change: c.3860A>T on transcript NM_001162501.2 (MANE Select); coding-DNA position 3860, A replaced by T.
Protein change: p.Gln1287Leu; replaces glutamine 1287 with leucine.
Molecular consequence: missense variant.
Genome position (GRCh38, 1-based): chr22:40,300,929, A>T. VCF-style: chr22-40300929-A-T. GRCh37 (hg19) VCF-style: chr22-40696933-A-T.
Other names: c.1448A>T, p.Gln483Leu (NM_001024843.2); c.3530A>T, p.Gln1177Leu (NM_015088.3); short protein forms Q1177L, Q1287L, Q483L.
Identifiers: ClinVar variation 4975463 (VCV004975463.1).